The following is an entry in ClinVar:

NM_000256.3(MYBPC3):c.2542G>C (p.Ala848Pro)

Gene: MYBPC3 (myosin binding protein C3; minus strand). Cytogenetic location: 11p11.2.
Variant type: single nucleotide variant.
Coding change: c.2542G>C on transcript NM_000256.3 (MANE Select); coding-DNA position 2542, G replaced by C.
Protein change: p.Ala848Pro; replaces alanine 848 with proline.
Molecular consequence: missense variant.
Genome position (GRCh38, 1-based): chr11:47,337,451, C>G on the plus strand (G>C on the coding strand, the complement: MYBPC3 is on the minus strand). VCF-style: chr11-47337451-C-G. GRCh37 (hg19) VCF-style: chr11-47359002-C-G.
Other names: short protein forms A848P.
Identifiers: ClinVar variation 1302591 (VCV001302591.3), dbSNP rs747407752, ClinGen allele CA380318160.

ClinVar aggregate classification (germline): Uncertain significance. Review status: criteria provided, multiple submitters, no conflicts (2 of 4 stars). 2 submissions from 2 submitters: Uncertain significance (2). Last evaluated 2023-11-03.

Submissions (2):

Blueprint Genetics
Classification: Uncertain significance. Last evaluated: 2023-11-03. Review status: criteria provided, single submitter. Criteria: ACMG Guidelines, 2015. Collection method: clinical testing. Allele origin: germline.

GeneDx
Classification: Uncertain significance. Last evaluated: 2019-09-04. Review status: criteria provided, single submitter. Criteria: GeneDx Variant Classification Process June 2021. Collection method: clinical testing. Allele origin: germline. Affected: yes.
Comment: Not observed in large population cohorts (Lek et al., 2016); In silico analysis, which includes protein predictors and evolutionary conservation, supports a deleterious effect; Has not been previously published as pathogenic or benign to our knowledge